The following is an entry in ClinVar:

ClinVar aggregate classification (germline): Uncertain significance. Review status: criteria provided, multiple submitters, no conflicts (2 of 4 stars). 3 submissions from 3 submitters: Uncertain significance (2). 1 of the submissions does not count toward it. Last evaluated 2025-02-27.

Conditions:
WFS1-related disorder. Identifiers: MedGen CN379391, MONDO:0700293.

gnomAD v4.1: 3 of 1,613,998 alleles (0.00019%); highest among the groups gnomAD compares: Non-Finnish European, 0.00025%; no homozygotes.

Submissions (3):

GeneDx
Classification: Uncertain significance. Last evaluated: 2025-02-27. Review status: criteria provided, single submitter. Criteria: GeneDx Variant Classification Process June 2021. Collection method: clinical testing. Allele origin: germline. Affected: yes.
Comment: Not observed at significant frequency in large population cohorts (gnomAD); In silico analysis supports that this missense variant has a deleterious effect on protein structure/function; Has not been previously published as pathogenic or benign to our knowledge

PreventionGenetics, part of Exact Sciences
Classification: Uncertain significance for WFS1-related condition. Last evaluated: 2024-10-08. Review status: criteria provided, single submitter. Criteria: ACMG Guidelines, 2015. Collection method: clinical testing. Allele origin: germline.
Comment: The WFS1 c.1829T>G variant is predicted to result in the amino acid substitution p.Leu610Trp. To our knowledge, this variant has not been reported in the literature. This variant is reported in 0.00088% of alleles in individuals of European (Non-Finnish) descent in gnomAD. At this time, the clinical significance of this variant is uncertain due to the absence of conclusive functional and genetic evidence.

Diagnostics Centre, Carl Von Ossietzky University Oldenburg
Classification: Uncertain significance. Last evaluated: 2026-06-15. Review status: no assertion criteria provided. Collection method: clinical testing. Allele origin: germline. Affected: yes. Observed: 1 variant allele, 1 heterozygote. Not counted in ClinVar's aggregate classification.

NM_006005.3(WFS1):c.1829T>G (p.Leu610Trp)

Gene: WFS1 (wolframin ER transmembrane glycoprotein; plus strand). Cytogenetic location: 4p16.1.
Variant type: single nucleotide variant.
Coding change: c.1829T>G on transcript NM_006005.3 (MANE Select); coding-DNA position 1829, T replaced by G.
Protein change: p.Leu610Trp; replaces leucine 610 with tryptophan.
Molecular consequence: missense variant.
Genome position (GRCh38, 1-based): chr4:6,301,624, T>G. VCF-style: chr4-6301624-T-G. GRCh37 (hg19) VCF-style: chr4-6303351-T-G.
Other names: c.1829T>G, p.Leu610Trp (NM_001145853.1); short protein forms L610W.
Identifiers: ClinVar variation 4077244 (VCV004077244.3), dbSNP rs1560420265.